The following is an entry in ClinVar:

ClinVar aggregate classification (germline): Uncertain significance (1 of 4 stars; one submission).

Submission:

Labcorp Genetics (formerly Invitae), Labcorp
Classification: Uncertain significance. Last evaluated: 2025-02-27. Review status: criteria provided, single submitter. Criteria: Invitae Variant Classification Sherloc (09022015). Collection method: clinical testing. Allele origin: germline.
Comment: This sequence change replaces alanine, which is neutral and non-polar, with proline, which is neutral and non-polar, at codon 464 of the TNFAIP3 protein (p.Ala464Pro). This variant is present in population databases (no rsID available, gnomAD no frequency). This variant has not been reported in the literature in individuals affected with TNFAIP3-related conditions. Invitae Evidence Modeling of protein sequence and biophysical properties (such as structural, functional, and spatial information, amino acid conservation, physicochemical variation, residue mobility, and thermodynamic stability) has been performed for this missense variant. However, the output from this modeling did not meet the statistical confidence thresholds required to predict the impact of this variant on TNFAIP3 protein function. In summary, the available evidence is currently insufficient to determine the role of this variant in disease. Therefore, it has been classified as a Variant of Uncertain Significance.

NM_001270508.2(TNFAIP3):c.1390G>C (p.Ala464Pro)

Gene: TNFAIP3 (TNF alpha induced protein 3; plus strand). Cytogenetic location: 6q23.3.
Variant type: single nucleotide variant.
Coding change: c.1390G>C on transcript NM_001270508.2 (MANE Select); coding-DNA position 1390, G replaced by C.
Protein change: p.Ala464Pro; replaces alanine 464 with proline.
Molecular consequence: missense variant.
Genome position (GRCh38, 1-based): chr6:137,878,835, G>C. VCF-style: chr6-137878835-G-C. GRCh37 (hg19) VCF-style: chr6-138199972-G-C.
Other names: c.1390G>C, p.Ala464Pro (NM_001270507.2, NM_006290.4); short protein forms A464P.
Identifiers: ClinVar variation 4775766 (VCV004775766.1).